The following is an entry in ClinVar:

ClinVar aggregate classification (germline): Likely pathogenic (1 of 4 stars; one submission).

Conditions:
COL6A3-related disorder. Also called: COL6A3-related disorders; COL6A3-related condition.

Submission:

PreventionGenetics, part of Exact Sciences
Classification: Likely pathogenic for COL6A3-related condition. Last evaluated: 2025-11-21. Review status: criteria provided, single submitter. Criteria: ACMG Guidelines, 2015. Collection method: clinical testing. Allele origin: germline.
Comment: The COL6A3 c.4186dupG variant is predicted to result in a frameshift and premature protein termination (p.Glu1396Glyfs*36). To our knowledge, this variant has not been reported in the literature or in a large population database (gnomAD), indicating this variant is rare. Frameshift variants in COL6A3 are expected to be pathogenic. This variant is interpreted as likely pathogenic.

NM_004369.4(COL6A3):c.4186dup (p.Glu1396fs)

Gene: COL6A3 (collagen type VI alpha 3 chain; minus strand). Cytogenetic location: 2q37.3.
Variant type: Duplication.
Coding change: c.4186dup on transcript NM_004369.4 (MANE Select); coding-DNA position 4186, one base duplicated (G; older notation c.4186dupG).
Protein change: p.Glu1396fs; shifts the reading frame from glutamic acid 1396.
Molecular consequence: frameshift variant.
Genome position (GRCh38, 1-based): chr2:237,371,831, C duplicated on the plus strand (G on the coding strand, the reverse complement: COL6A3 is on the minus strand); the first of 3 consecutive C bases (chr2:237,371,831-237,371,833); duplicating any one gives the same sequence. VCF-style (leftmost placement, unchanged base first): chr2-237371830-T-TC. GRCh37 (hg19) VCF-style: chr2-238280473-T-TC.
Other names: c.2965dup, p.Glu989fs (NM_057164.5); c.3568dup, p.Glu1190fs (NM_057165.5, NM_057167.4); c.2365dup, p.Glu789fs (NM_057166.5); c.4186dupG (NM_004369.3); short protein forms E1190fs, E989fs, E1396fs, E789fs.
Identifiers: ClinVar variation 4992339 (VCV004992339.1).
Genomic context (GRCh38, chr2:237,371,830, plus strand): 5'-ATCTGCTCTGAGGTCAGGGTCGTGATGGGCGTCAGCAGTTTCTGCTCCAGGCTGGGCAGC[T>TC]CCCGGAAGGTGCTCACCGAGAACACATATTCGGGGCTCAGCGAGATCTTCACCAGCTCCT-3'